The following is an entry in ClinVar:

ClinVar aggregate classification (germline): Uncertain significance (1 of 4 stars; one submission).

Submission:

Labcorp Genetics (formerly Invitae), Labcorp
Classification: Uncertain significance. Last evaluated: 2024-08-28. Review status: criteria provided, single submitter. Criteria: Invitae Variant Classification Sherloc (09022015). Collection method: clinical testing. Allele origin: germline.
Comment: This variant, c.1492_1497del, results in the deletion of 2 amino acid(s) of the CACNA1D protein (p.Arg498_Arg499del), but otherwise preserves the integrity of the reading frame. This variant is present in population databases (no rsID available, gnomAD 0.002%). This variant has not been reported in the literature in individuals affected with CACNA1D-related conditions. Experimental studies and prediction algorithms are not available or were not evaluated, and the functional significance of this variant is currently unknown. In summary, the available evidence is currently insufficient to determine the role of this variant in disease. Therefore, it has been classified as a Variant of Uncertain Significance.

NM_000720.4(CACNA1D):c.1492_1497del (p.Arg498_Arg499del)

Gene: CACNA1D (calcium voltage-gated channel subunit alpha1 D; plus strand). Cytogenetic location: 3p21.1.
Variant type: Deletion.
Coding change: c.1492_1497del on transcript NM_000720.4 (MANE Plus Clinical); coding-DNA positions 1492 to 1497, 6 bases deleted (CGGAGA; older notation c.1492_1497delCGGAGA).
Protein change: p.Arg498_Arg499del.
Molecular consequence: inframe deletion. On other transcripts: intron variant (2).
Genome position (GRCh38, 1-based): chr3:53,718,695-53,718,700, CGGAGA deleted; deleting any 6 consecutive bases within chr3:53,718,690-53,718,700 gives the same sequence; the c. name uses the placement nearest the transcript's 3' end. VCF-style (leftmost placement, unchanged base first): chr3-53718689-TGGAGAC-T. GRCh37 (hg19) VCF-style: chr3-53752716-TGGAGAC-T.
Other names: c.1478+307_1478+312del (NM_001128840.3, NM_001128839.3).
Identifiers: ClinVar variation 3606272 (VCV003606272.2).